The following is an entry in ClinVar:

ClinVar aggregate classification (germline): Uncertain significance. Review status: criteria provided, multiple submitters, no conflicts (2 of 4 stars). 2 submissions from 2 submitters: Uncertain significance (2). Last evaluated 2025-09-19.

Allele frequency attached by ClinVar (database versions not stated): ExAC 0.00005; gnomAD 0.00005 and 0.00006; gnomAD exomes 0.00005 and 0.00001; TOPMed 0.00005.
gnomAD v4.1: 30 of 1,613,786 alleles (0.0019%); highest among the groups gnomAD compares: African/African-American, 0.013%; no homozygotes.

Submissions (2):

GeneDx
Classification: Uncertain significance. Last evaluated: 2025-09-19. Review status: criteria provided, single submitter. Criteria: GeneDx Variant Classification Process June 2021. Collection method: clinical testing. Allele origin: germline.
Comment: In silico analysis suggests that this missense variant does not alter protein structure/function; This variant is associated with the following publications: (PMID: 36863698)

Labcorp Genetics (formerly Invitae), Labcorp
Classification: Uncertain significance. Last evaluated: 2022-09-07. Review status: criteria provided, single submitter. Criteria: Invitae Variant Classification Sherloc (09022015). Collection method: clinical testing. Allele origin: germline.
Comment: This sequence change replaces threonine, which is neutral and polar, with methionine, which is neutral and non-polar, at codon 1649 of the CDH23 protein (p.Thr1649Met). This variant is present in population databases (rs752362029, gnomAD 0.02%). This variant has not been reported in the literature in individuals affected with CDH23-related conditions. ClinVar contains an entry for this variant (Variation ID: 1507752). Algorithms developed to predict the effect of missense changes on protein structure and function are either unavailable or do not agree on the potential impact of this missense change (SIFT: "Deleterious"; PolyPhen-2: "Not Available"; Align-GVGD: "Class C65"). In summary, the available evidence is currently insufficient to determine the role of this variant in disease. Therefore, it has been classified as a Variant of Uncertain Significance.

NM_022124.6(CDH23):c.4946C>T (p.Thr1649Met)

Gene: CDH23 (cadherin related 23; plus strand). Cytogenetic location: 10q22.1.
Variant type: single nucleotide variant.
Coding change: c.4946C>T on transcript NM_022124.6 (MANE Select); coding-DNA position 4946, C replaced by T.
Protein change: p.Thr1649Met; replaces threonine 1649 with methionine.
Molecular consequence: missense variant.
Genome position (GRCh38, 1-based): chr10:71,777,780, C>T. VCF-style: chr10-71777780-C-T. GRCh37 (hg19) VCF-style: chr10-73537537-C-T.
Other names: short protein forms T1649M.
Identifiers: ClinVar variation 1507752 (VCV001507752.5), dbSNP rs752362029, ClinGen allele CA5545593.